The following is an entry in ClinVar:

ClinVar aggregate classification (germline): Uncertain significance. Review status: criteria provided, multiple submitters, no conflicts (2 of 4 stars). 3 submissions from 3 submitters: Uncertain significance (2). 1 of the submissions does not count toward it. Last evaluated 2022-11-15.

Conditions:
Inborn genetic diseases. Identifiers: MedGen C0950123, MeSH D030342.
Oculofaciocardiodental syndrome (MCOPS2). Identifiers: Orphanet 2712, MedGen C1846265, MONDO:0010261, OMIM 300166.

Allele frequency attached by ClinVar (database versions not stated): gnomAD 0.00005; TOPMed 0.00005.
gnomAD v4.1: 13 of 1,208,648 alleles (0.0011%); highest among the groups gnomAD compares: Middle Eastern, 0.023%; no homozygotes.

Submissions (3):

Labcorp Genetics (formerly Invitae), Labcorp
Classification: Uncertain significance for Oculofaciocardiodental syndrome. Last evaluated: 2022-11-15. Review status: criteria provided, single submitter. Criteria: Invitae Variant Classification Sherloc (09022015). Collection method: clinical testing. Allele origin: germline.
Comment: This sequence change replaces tyrosine, which is neutral and polar, with phenylalanine, which is neutral and non-polar, at codon 985 of the BCOR protein (p.Tyr985Phe). This variant is present in population databases (rs587778093, gnomAD 0.006%). This variant has not been reported in the literature in individuals affected with BCOR-related conditions. ClinVar contains an entry for this variant (Variation ID: 133679). Algorithms developed to predict the effect of missense changes on protein structure and function are either unavailable or do not agree on the potential impact of this missense change (SIFT: "Deleterious"; PolyPhen-2: "Probably Damaging"; Align-GVGD: "Class C15"). In summary, the available evidence is currently insufficient to determine the role of this variant in disease. Therefore, it has been classified as a Variant of Uncertain Significance.

Ambry Genetics
Classification: Uncertain significance for Inborn genetic diseases. Last evaluated: 2021-01-13. Review status: criteria provided, single submitter. Criteria: Ambry Variant Classification Scheme 2023. Collection method: clinical testing. Allele origin: germline.
Comment: The c.2954A>T (p.Y985F) alteration is located in exon 4 (coding exon 3) of the BCOR gene. This alteration results from a A to T substitution at nucleotide position 2954, causing the tyrosine (Y) at amino acid position 985 to be replaced by a phenylalanine (F). The p.Y985F alteration is predicted to be tolerated by in silico analysis. Based on insufficient or conflicting evidence, the clinical significance of this alteration remains unclear.

ITMI
No classification provided. Condition: AllHighlyPenetrant. Last evaluated: 2013-09-19. Review status: no classification provided. Collection method: reference population. Allele origin: germline. Not counted in ClinVar's aggregate classification.
Comment: Please see associated publication for description of ethnicities

Literature cited by the submitters: PubMed 24728327 (cited by ITMI).

NM_001123385.2(BCOR):c.2954A>T (p.Tyr985Phe)

Gene: BCOR (BCL6 corepressor; minus strand). Cytogenetic location: Xp11.4.
Variant type: single nucleotide variant.
Coding change: c.2954A>T on transcript NM_001123385.2 (MANE Select); coding-DNA position 2954, A replaced by T.
Protein change: p.Tyr985Phe; replaces tyrosine 985 with phenylalanine.
Molecular consequence: missense variant.
Genome position (GRCh38, 1-based): chrX:40,072,392, T>A on the plus strand (A>T on the coding strand, the complement: BCOR is on the minus strand). VCF-style: chrX-40072392-T-A. GRCh37 (hg19) VCF-style: chrX-39931645-T-A.
Other names: c.2954A>T, p.Tyr985Phe (NM_001123383.2, NM_001123384.2, NM_017745.6); short protein forms Y985F.
Identifiers: ClinVar variation 133679 (VCV000133679.9), dbSNP rs587778093, ClinGen allele CA157293.
Genomic context (GRCh38, chrX:40,072,392, plus strand): 5'-CAGGTGGGGGGGCTCACCTGCAATGCCCGTTGCTCCCGGCTGAGCTGACTGGAATCTGCA[T>A]ACAGTTCGGTAGTGACACATTTGAATCGGTCACCCACGTAACCCGCTGAGTTGGCGATTC-3'
Protein context (NP_001116857.1, residues 975-995): DRFKCVTTEL[Tyr985Phe]ADSSQLSREQ